The following is an entry in ClinVar:

NM_021023.6(CFHR3):c.115C>T (p.Arg39Cys)

Gene: CFHR3 (complement factor H related 3; plus strand). Cytogenetic location: 1q31.3.
Variant type: single nucleotide variant.
Coding change: c.115C>T on transcript NM_021023.6 (MANE Select); coding-DNA position 115, C replaced by T.
Protein change: p.Arg39Cys; replaces arginine 39 with cysteine.
Molecular consequence: missense variant.
Genome position (GRCh38, 1-based): chr1:196,779,218, C>T. VCF-style: chr1-196779218-C-T. GRCh37 (hg19) VCF-style: chr1-196748348-C-T.
Other names: p.Arg39Cys; c.115C>T, p.Arg39Cys (NM_001166624.2); short protein forms R39C.
Identifiers: ClinVar variation 2682693 (VCV002682693.1), dbSNP rs143890724, ClinGen allele CA1306067.

ClinVar aggregate classification (germline): Uncertain significance (1 of 4 stars; one submission).

Allele frequency attached by ClinVar (database versions not stated): ESP Exome Variant Server 0.00025.

Submission:

Mayo Clinic Laboratories, Mayo Clinic
Classification: Uncertain significance. Last evaluated: 2022-11-23. Review status: criteria provided, single submitter. Criteria: ACMG Guidelines, 2015. Collection method: clinical testing. Allele origin: germline. Observed: 1 variant allele.
Comment: BP4